The following is an entry in ClinVar:

NM_000350.3(ABCA4):c.1294G>A (p.Glu432Lys)

Gene: ABCA4 (ATP binding cassette subfamily A member 4; minus strand). Cytogenetic location: 1p22.1.
Variant type: single nucleotide variant.
Coding change: c.1294G>A on transcript NM_000350.3 (MANE Select); coding-DNA position 1294, G replaced by A.
Protein change: p.Glu432Lys; replaces glutamic acid 432 with lysine.
Molecular consequence: missense variant.
Genome position (GRCh38, 1-based): chr1:94,078,652, C>T on the plus strand (G>A on the coding strand, the complement: ABCA4 is on the minus strand). VCF-style: chr1-94078652-C-T. GRCh37 (hg19) VCF-style: chr1-94544208-C-T.
Other names: c.1294G>A, p.Glu432Lys (NM_001425324.1); short protein forms E432K.
Identifiers: ClinVar variation 143072 (VCV000143072.17), dbSNP rs201117452, ClinGen allele CA232811.

ClinVar aggregate classification (germline): Conflicting classifications of pathogenicity. Review status: criteria provided, conflicting classifications (1 of 4 stars). 7 submissions from 7 submitters: Uncertain significance (4); Benign (1); Likely benign (1). 1 of the submissions does not count toward it. Last evaluated 2025-12-23.

Conditions:
Age related macular degeneration 2. Also called: MACULAR DEGENERATION, SENILE; MACULOPATHY, AGE-RELATED, 2; MACULOPATHY, AGE-RELATED. Identifiers: MedGen C3495438, MONDO:0007932, OMIM 153800.
Severe early-childhood-onset retinal dystrophy (STGD1). Also called: MACULAR DYSTROPHY WITH FLECKS, TYPE 1; Stargardt macular dystrophy; Juvenile onset macular degeneration; Stargardt disease 1; STGD. Identifiers: Orphanet 364055, Orphanet 827, MedGen C1855465, MeSH D000080362, MONDO:0009549, OMIM 248200.
Cone-rod dystrophy 3 (CORD3). Identifiers: Orphanet 1872, MedGen C1858806, MONDO:0011395, OMIM 604116.
Retinitis pigmentosa 19 (RP19). Also called: ABCA4-Related Retinitis Pigmentosa. Identifiers: Orphanet 791, MedGen C1866422, MONDO:0011137, OMIM 601718.

Allele frequency attached by ClinVar (database versions not stated): gnomAD 0.00005 and 0.00011; TOPMed 0.00008; ExAC 0.00012; gnomAD exomes 0.00016; 1000 Genomes Project 30x 0.00047; 1000 Genomes Project 0.00060.
gnomAD v4.1: 167 of 1,499,752 alleles (0.011%); highest among the groups gnomAD compares: East Asian, 0.47%; 1 homozygote.

Submissions (7):

Labcorp Genetics (formerly Invitae), Labcorp
Classification: Likely benign. Last evaluated: 2025-12-23. Review status: criteria provided, single submitter. Criteria: Invitae Variant Classification Sherloc (09022015). Collection method: clinical testing. Allele origin: germline.

Blueprint Genetics
Classification: Uncertain significance. Last evaluated: 2024-08-30. Review status: criteria provided, single submitter. Criteria: ACMG Guidelines, 2015. Collection method: clinical testing. Allele origin: germline.

GeneDx
Classification: Uncertain significance. Last evaluated: 2020-01-15. Review status: criteria provided, single submitter. Criteria: GeneDx Variant Classification Process June 2021. Collection method: clinical testing. Allele origin: germline. Affected: yes.
Comment: In silico analysis, which includes protein predictors and evolutionary conservation, supports that this variant does not alter protein structure/function; Observed with two other variants in the ABCA4 gene in an individual with Stargardt disease in published literature, but it is not known what combination of the variants occurred on the same (in cis) or on different (in trans) chromosomes (Sung et al., 2019); This variant is associated with the following publications: (PMID: 23424971, 29975949, 33090715, 33301772)

Mendelics
Classification: Benign for Severe early-childhood-onset retinal dystrophy. Last evaluated: 2019-05-28. Review status: criteria provided, single submitter. Criteria: Mendelics Assertion Criteria 2017. Collection method: clinical testing. Allele origin: unknown.

Soonchunhyang University Bucheon Hospital, Soonchunhyang University Medical Center
Classification: Uncertain significance for Severe early-childhood-onset retinal dystrophy. Last evaluated: 2016-03-18. Review status: criteria provided, single submitter. Criteria: ACMG Guidelines, 2015. Collection method: reference population. Allele origin: germline. Observed: 1 variant allele.

Juno Genomics, Hangzhou Juno Genomics, Inc
Classification: Uncertain significance for Age related macular degeneration 2; Cone-rod dystrophy 3; Severe early-childhood-onset retinal dystrophy; Retinitis pigmentosa 19. Review status: criteria provided, single submitter. Criteria: ACMG Guidelines, 2015. Collection method: clinical testing. Allele origin: germline.
Comment: Multiple lines of computational evidence support a deleterious effect on the gene or gene product.;Observed in trans with a pathogenic variant for a fully penetrant dominant gene.

Department of Ophthalmology and Visual Sciences Kyoto University
Classification: Likely benign. Review status: no assertion criteria provided. Collection method: not provided. Allele origin: unknown. Not counted in ClinVar's aggregate classification.
ClinVar note: Converted during submission from probable-non-pathogenic to Likely benign.

Literature cited by the submitters: PubMed 23424971 (cited by Soonchunhyang University Bucheon Hospital, Soonchunhyang University Medical Center).